The following is an entry in ClinVar:

ClinVar aggregate classification (germline): Benign/Likely benign. Review status: criteria provided, multiple submitters, no conflicts (2 of 4 stars). 4 submissions from 4 submitters: Benign (3); Likely benign (1). Last evaluated 2026-08-01.

Allele frequency attached by ClinVar (database versions not stated): TOPMed 0.00397; gnomAD 0.00474 and 0.00481; ESP Exome Variant Server 0.00515; gnomAD exomes 0.00585 and 0.00631; ExAC 0.00624; 1000 Genomes Project 30x 0.00187; 1000 Genomes Project 0.00200.

Submissions (4):

CeGaT Center for Human Genetics Tuebingen
Classification: Likely benign. Last evaluated: 2026-08-01. Review status: criteria provided, single submitter. Criteria: CeGaT Center For Human Genetics Tuebingen Variant Classification Criteria Version 2. Collection method: clinical testing. Allele origin: germline. Affected: yes. Observed: 8 variant alleles.
Comment: MRPL12: BP4, BP7, BS2

Labcorp Genetics (formerly Invitae), Labcorp
Classification: Benign. Last evaluated: 2026-01-05. Review status: criteria provided, single submitter. Criteria: Invitae Variant Classification Sherloc (09022015). Collection method: clinical testing. Allele origin: germline.

GeneDx
Classification: Benign. Last evaluated: 2016-12-08. Review status: criteria provided, single submitter. Criteria: GeneDx Variant Classification (06012015). Collection method: clinical testing. Allele origin: germline. Affected: yes.
Comment: This variant is considered likely benign or benign based on one or more of the following criteria: it is a conservative change, it occurs at a poorly conserved position in the protein, it is predicted to be benign by multiple in silico algorithms, and/or has population frequency not consistent with disease.

Breakthrough Genomics
Classification: Benign. Review status: criteria provided, single submitter. Criteria: ACMG Guidelines, 2015. Collection method: not provided. Allele origin: germline. Inheritance: Autosomal recessive inheritance. Affected: yes.

NM_002949.4(MRPL12):c.99C>T (p.Ala33=)

Gene: MRPL12 (mitochondrial ribosomal protein L12; plus strand). Cytogenetic location: 17q25.3.
Variant type: single nucleotide variant.
Coding change: c.99C>T on transcript NM_002949.4 (MANE Select); coding-DNA position 99, C replaced by T.
Protein change: p.Ala33=; no amino-acid change (alanine 33 retained).
Molecular consequence: synonymous variant.
Genome position (GRCh38, 1-based): chr17:81,704,268, C>T. VCF-style: chr17-81704268-C-T. GRCh37 (hg19) VCF-style: chr17-79671298-C-T.
Identifiers: ClinVar variation 381440 (VCV000381440.34), dbSNP rs148659191, ClinGen allele CA8841252.